The following is an entry in ClinVar:

ClinVar aggregate classification (germline): Uncertain significance (1 of 4 stars; one submission).

gnomAD v4.1: 9 of 1,583,508 alleles (0.00057%); highest among the groups gnomAD compares: Non-Finnish European, 0.00077%; no homozygotes.

Submission:

Labcorp Genetics (formerly Invitae), Labcorp
Classification: Uncertain significance. Last evaluated: 2024-05-20. Review status: criteria provided, single submitter. Criteria: Invitae Variant Classification Sherloc (09022015). Collection method: clinical testing. Allele origin: germline.
Comment: This sequence change replaces glycine, which is neutral and non-polar, with glutamic acid, which is acidic and polar, at codon 863 of the ARHGEF1 protein (p.Gly863Glu). This variant is not present in population databases (gnomAD no frequency). This variant has not been reported in the literature in individuals affected with ARHGEF1-related conditions. An algorithm developed to predict the effect of missense changes on protein structure and function (PolyPhen-2) suggests that this variant is likely to be disruptive. In summary, the available evidence is currently insufficient to determine the role of this variant in disease. Therefore, it has been classified as a Variant of Uncertain Significance.

NM_004706.4(ARHGEF1):c.2543G>A (p.Gly848Glu)

Gene: ARHGEF1 (Rho guanine nucleotide exchange factor 1; plus strand). Cytogenetic location: 19q13.2.
Variant type: single nucleotide variant.
Coding change: c.2543G>A on transcript NM_004706.4 (MANE Select); coding-DNA position 2543, G replaced by A.
Protein change: p.Gly848Glu; replaces glycine 848 with glutamic acid.
Molecular consequence: missense variant. On other transcripts: non-coding transcript variant (2), intron variant (4).
Genome position (GRCh38, 1-based): chr19:41,906,508, G>A. VCF-style: chr19-41906508-G-A. GRCh37 (hg19) VCF-style: chr19-42410660-G-A.
Other names: c.2711G>A, p.Gly904Glu (NM_001396000.1); c.2444G>A, p.Gly815Glu (NM_198977.2); c.2588G>A, p.Gly863Glu (NM_199002.2); c.2492-195G>A (NM_001396003.1, NM_001396006.1); c.2393-195G>A (NM_001396002.1, NM_001396004.1); short protein forms G815E, G848E, G904E, G863E.
Identifiers: ClinVar variation 3684589 (VCV003684589.2).